The following is an entry in ClinVar:

ClinVar aggregate classification (germline): Uncertain significance. Review status: reviewed by expert panel (3 of 4 stars). 3 submissions from 3 submitters: Uncertain significance (1). 2 of the submissions do not count toward it. Last evaluated 2026-04-28.

Conditions:
Creatine deficiency syndrome 1.
Creatine transporter deficiency (CCDS1). Also called: Creatine Transporter (CRTR) Deficiency; Mental retardation , X-linked with seizures, short stature and midface hypoplasia; Mental retardation , X-linked, with creatine transport deficiency; X-linked creatine transporter deficiency; X-linked creatine deficiency syndrome; SLC6A8-Related Creatine Transporter Deficiency. Identifiers: Orphanet 52503, MedGen C1845862, MONDO:0010305, OMIM 300352.

Allele frequency attached by ClinVar (database versions not stated): gnomAD exomes below 0.00001; gnomAD 0.00001.

Submissions (3):

ClinGen Cerebral Creatine Deficiency Syndromes Variant Curation Expert Panel, ClinGen
Classification: Uncertain significance for Creatine transporter deficiency. Last evaluated: 2026-04-28. Review status: reviewed by expert panel. Criteria: ClinGen_CCDS_ACMG_Specifications_SLC6A8_v1.1. Collection method: curation. Allele origin: germline. Inheritance: X-linked inheritance.
Comment: The NM_005629.4:c.56A>C variant in SLC6A8 is a missense variant predicted to cause substitution of Lysine for Threonine at amino acid 19 (p.Lys19Thr). The maximum population minor allele frequency in gnomAD v4.1.0 is 0.000002428 (2/823672 alleles), which is lower than the ClinGen CCDS VCEP’s threshold for PM2_Supporting (≤0.00002) and there are no hemizygotes, meeting this criterion (PM2_Supporting). The computational predictor REVEL gives a score of 0.142 which is below the threshold of 0.20, and does not predict a damaging effect on SLC6A8 function. To our knowledge, this variant has not been previously reported in any individuals with creatine transporter deficiency in the literature. There is a ClinVar entry for this variant (Variation ID:432463). In summary, this variant meets the criteria to be classified as a variant of uncertain significance for creatine transporter deficiency based on the SLC6A8-specific ACMG/AMP criteria applied, as specified by the ClinGen Cerebral Creatine Deficiency Syndromes Variant Curation Expert Panel (Specifications Version 1.2.0): PM2_Supporting, BP4. (Classification approved by the ClinGen Cerebral Creatine Deficiency Syndromes Variant Curation Expert Panel, April 28, 2026)

GeneDx
Classification: Uncertain significance. Last evaluated: 2023-01-30. Review status: criteria provided, single submitter. Criteria: GeneDx Variant Classification Process June 2021. Collection method: clinical testing. Allele origin: germline. Affected: yes. Not counted in ClinVar's aggregate classification.
Comment: In silico analysis supports that this missense variant does not alter protein structure/function; Has not been previously published as pathogenic or benign to our knowledge

Natera, Inc.
Classification: Uncertain significance for Creatine deficiency syndrome 1. Last evaluated: 2020-11-06. Review status: no assertion criteria provided. Collection method: clinical testing. Allele origin: germline. Not counted in ClinVar's aggregate classification.

NM_005629.4(SLC6A8):c.56A>C (p.Lys19Thr)

Gene: SLC6A8 (solute carrier family 6 member 8; plus strand). Cytogenetic location: Xq28.
Variant type: single nucleotide variant.
Coding change: c.56A>C on transcript NM_005629.4 (MANE Select); coding-DNA position 56, A replaced by C.
Protein change: p.Lys19Thr; replaces lysine 19 with threonine.
Molecular consequence: missense variant.
Genome position (GRCh38, 1-based): chrX:153,688,630, A>C. VCF-style: chrX-153688630-A-C. GRCh37 (hg19) VCF-style: chrX-152954085-A-C.
Other names: NM_005629.4(SLC6A8):c.56A>C; p.Lys19Thr; c.56A>C, p.Lys19Thr (NM_001142805.2); short protein forms K19T.
Identifiers: ClinVar variation 432463 (VCV000432463.9), dbSNP rs1238996324, ClinGen allele CA415076058.
Genomic context (GRCh38, chrX:153,688,630, plus strand): 5'-AGGCCATGGCGAAGAAGAGCGCCGAGAACGGCATCTATAGCGTGTCCGGCGACGAGAAGA[A>C]GGGCCCCCTCATCGCGCCCGGGCCCGACGGGGCCCCGGCCAAGGGCGACGGCCCCGTGGG-3'
Protein context (NP_005620.1, residues 9-29): GIYSVSGDEK[Lys19Thr]GPLIAPGPDG